The following is an entry in ClinVar:

NM_004782.4(SNAP29):c.*1667G>A

Gene: SNAP29 (synaptosome associated protein 29; plus strand). Cytogenetic location: 22q11.21.
Variant type: single nucleotide variant.
Coding change: c.*1667G>A on transcript NM_004782.4 (MANE Select); 1667 bases downstream of the stop codon, G replaced by A.
Molecular consequence: 3 prime UTR variant.
Genome position (GRCh38, 1-based): chr22:20,889,503, G>A. VCF-style: chr22-20889503-G-A. GRCh37 (hg19) VCF-style: chr22-21243791-G-A.
Identifiers: ClinVar variation 340869 (VCV000340869.5), dbSNP rs370941828, ClinGen allele CA10653238.
Genomic context (GRCh38, chr22:20,889,503, plus strand): 5'-CGACCATCCCAGGGTGTGAGGGCCTGATTAAAGCTTATCGAACTAGACATTTGTTTATTA[G>A]ATGAGCTCGGCATTATTATTTTCTCAATAACTGGTAGAAGGGAAATTTTAAACATAACAC-3'

ClinVar aggregate classification (germline): Likely benign (1 of 4 stars; one submission).

Conditions:
CEDNIK syndrome. Also called: CEREBRAL DYSGENESIS, NEUROPATHY, ICHTHYOSIS, AND PALMOPLANTAR KERATODERMA SYNDROME; Cerebral dysgenesis, neuropathy, ichthyosis, and palmoplantar keratoderma. Identifiers: Orphanet 66631, MedGen C1836033, MONDO:0012290, OMIM 609528.

Allele frequency attached by ClinVar (database versions not stated): gnomAD 0.00001 and 0.00011; TOPMed 0.00003; 1000 Genomes Project 0.00060; 1000 Genomes Project 30x 0.00062.
gnomAD v4.1: 16 of 152,304 alleles (0.011%); highest among the groups gnomAD compares: South Asian, 0.29%; no homozygotes.

Submission:

Illumina Laboratory Services, Illumina
Classification: Likely benign for CEDNIK syndrome. Last evaluated: 2018-01-13. Review status: criteria provided, single submitter. Criteria: ICSL Variant Classification Criteria 13 December 2019. Collection method: clinical testing. Allele origin: germline.
Comment: This variant was observed in the ICSL laboratory as part of a predisposition screen in an ostensibly healthy population. It had not been previously curated by ICSL or reported in the Human Gene Mutation Database (HGMD: prior to June 1st, 2018), and was therefore a candidate for classification through an automated scoring system. Utilizing variant allele frequency, disease prevalence and penetrance estimates, and inheritance mode, an automated score was calculated to assess if this variant is too frequent to cause the disease. Based on the score and internal cut-off values, a variant classified as likely benign is not then subjected to further curation. The score for this variant resulted in a classification of likely benign for this disease.